The following is an entry in ClinVar:

ClinVar aggregate classification (germline): Uncertain significance (1 of 4 stars; one submission).

Submission:

GeneDx
Classification: Uncertain significance. Last evaluated: 2019-06-06. Review status: criteria provided, single submitter. Criteria: GeneDx Variant Classification Process June 2021. Collection method: clinical testing. Allele origin: germline. Affected: yes.
Comment: Not observed in large population cohorts (Lek et al., 2016); In silico analysis, which includes protein predictors and evolutionary conservation, supports that this variant does not alter protein structure/function; Has not been previously published as pathogenic or benign to our knowledge

NM_001015877.2(PHF6):c.755T>C (p.Leu252Pro)

Gene: PHF6 (PHD finger protein 6; plus strand). Cytogenetic location: Xq26.2.
Variant type: single nucleotide variant.
Coding change: c.755T>C on transcript NM_001015877.2 (MANE Select); coding-DNA position 755, T replaced by C.
Protein change: p.Leu252Pro; replaces leucine 252 with proline.
Molecular consequence: missense variant.
Genome position (GRCh38, 1-based): chrX:134,415,041, T>C. VCF-style: chrX-134415041-T-C. GRCh37 (hg19) VCF-style: chrX-133549071-T-C.
Other names: c.758T>C, p.Leu253Pro (NM_032335.3); c.755T>C, p.Leu252Pro (NM_032458.3); short protein forms L252P, L253P.
Identifiers: ClinVar variation 1306096 (VCV001306096.2), dbSNP rs2124250323, ClinGen allele CA414713164.